The following is an entry in ClinVar:

NM_005609.4(PYGM):c.2345T>C (p.Ile782Thr)

Gene: PYGM (glycogen phosphorylase, muscle associated; minus strand). Cytogenetic location: 11q13.1.
Variant type: single nucleotide variant.
Coding change: c.2345T>C on transcript NM_005609.4 (MANE Select); coding-DNA position 2345, T replaced by C.
Protein change: p.Ile782Thr; replaces isoleucine 782 with threonine.
Molecular consequence: missense variant.
Genome position (GRCh38, 1-based): chr11:64,746,955, A>G on the plus strand (T>C on the coding strand, the complement: PYGM is on the minus strand). VCF-style: chr11-64746955-A-G. GRCh37 (hg19) VCF-style: chr11-64514427-A-G.
Other names: c.2345T>C (NM_005609.2); c.2081T>C, p.Ile694Thr (NM_001164716.1); short protein forms I694T, I782T.
Identifiers: ClinVar variation 2044571 (VCV002044571.4), dbSNP rs755923861, ClinGen allele CA6079546.
Genomic context (GRCh38, chr11:64,746,955, plus strand): 5'-CCAACCCCTGGCCCAGGACCCCTCACCTTGTACAAGGCGCTGACTTTCTCCTGGCATTTA[A>G]TGTAGTCTTCATAATCTGCGAAGACTTTAAACCTGGAGGGGAAAGGATAGGCATGTGCTA-3'
Protein context (NP_005600.1, residues 772-792): FKVFADYEDY[Ile782Thr]KCQEKVSALY

ClinVar aggregate classification (germline): Uncertain significance. Review status: criteria provided, multiple submitters, no conflicts (2 of 4 stars). 2 submissions from 2 submitters: Uncertain significance (2). Last evaluated 2025-08-04.

Conditions:
Glycogen storage disease, type V (GSD5). Also called: MCARDLE DISEASE; MUSCLE GLYCOGEN PHOSPHORYLASE DEFICIENCY; MYOPHOSPHORYLASE DEFICIENCY; PYGM DEFICIENCY; McArdle type glycogen storage disease. Identifiers: Orphanet 368, MedGen C0017924, MONDO:0009293, OMIM 232600.

Allele frequency attached by ClinVar (database versions not stated): gnomAD 0.00001; gnomAD exomes 0.00001; ExAC 0.00002.

Submissions (2):

Revvity Omics, Revvity
Classification: Uncertain significance for Glycogen storage disease, type V. Last evaluated: 2025-08-04. Review status: criteria provided, single submitter. Criteria: ACMG Guidelines, 2015. Collection method: clinical testing. Allele origin: germline.

Labcorp Genetics (formerly Invitae), Labcorp
Classification: Uncertain significance for Glycogen storage disease, type V. Last evaluated: 2022-10-25. Review status: criteria provided, single submitter. Criteria: Invitae Variant Classification Sherloc (09022015). Collection method: clinical testing. Allele origin: germline.
Comment: This sequence change replaces isoleucine, which is neutral and non-polar, with threonine, which is neutral and polar, at codon 782 of the PYGM protein (p.Ile782Thr). This variant is present in population databases (rs755923861, gnomAD 0.002%). This variant has not been reported in the literature in individuals affected with PYGM-related conditions. Advanced modeling of protein sequence and biophysical properties (such as structural, functional, and spatial information, amino acid conservation, physicochemical variation, residue mobility, and thermodynamic stability) has been performed at Invitae for this missense variant, however the output from this modeling did not meet the statistical confidence thresholds required to predict the impact of this variant on PYGM protein function. In summary, the available evidence is currently insufficient to determine the role of this variant in disease. Therefore, it has been classified as a Variant of Uncertain Significance.